The following is an entry in ClinVar:

ClinVar aggregate classification (germline): Uncertain significance (1 of 4 stars; one submission).

Conditions:
Progressive familial heart block type IB (PFHB1B). Identifiers: Orphanet 871, MedGen C1970298, MONDO:0011474, OMIM 604559.

Submission:

Labcorp Genetics (formerly Invitae), Labcorp
Classification: Uncertain significance for Progressive familial heart block type IB. Last evaluated: 2021-08-27. Review status: criteria provided, single submitter. Criteria: Invitae Variant Classification Sherloc (09022015). Collection method: clinical testing. Allele origin: germline.
Comment: In summary, the available evidence is currently insufficient to determine the role of this variant in disease. Therefore, it has been classified as a Variant of Uncertain Significance. Algorithms developed to predict the effect of missense changes on protein structure and function (SIFT, PolyPhen-2, Align-GVGD) all suggest that this variant is likely to be tolerated. This variant has not been reported in the literature in individuals affected with TRPM4-related conditions. The frequency data for this variant in the population databases is considered unreliable, as metrics indicate insufficient coverage at this position in the ExAC database. This sequence change replaces glycine with glutamic acid at codon 837 of the TRPM4 protein (p.Gly837Glu). The glycine residue is weakly conserved and there is a moderate physicochemical difference between glycine and glutamic acid.

NM_017636.4(TRPM4):c.2510G>A (p.Gly837Glu)

Gene: TRPM4 (transient receptor potential cation channel subfamily M member 4; plus strand). Cytogenetic location: 19q13.33.
Variant type: single nucleotide variant.
Coding change: c.2510G>A on transcript NM_017636.4 (MANE Select); coding-DNA position 2510, G replaced by A.
Protein change: p.Gly837Glu; replaces glycine 837 with glutamic acid.
Molecular consequence: missense variant. On other transcripts: intron variant (1).
Genome position (GRCh38, 1-based): chr19:49,196,739, G>A. VCF-style: chr19-49196739-G-A. GRCh37 (hg19) VCF-style: chr19-49699996-G-A.
Other names: c.2165G>A, p.Gly722Glu (NM_001321281.2); c.902G>A, p.Gly301Glu (NM_001321282.2); c.1988G>A, p.Gly663Glu (NM_001321283.2); c.1448G>A, p.Gly483Glu (NM_001321285.2); c.2211-3561G>A (NM_001195227.2); short protein forms G483E, G663E, G722E, G837E, G301E.
Identifiers: ClinVar variation 1379470 (VCV001379470.6), dbSNP rs906390857, ClinGen allele CA309455322.